The following is an entry in ClinVar:

ClinVar aggregate classification (germline): Conflicting classifications of pathogenicity. Review status: criteria provided, conflicting classifications (1 of 4 stars). 5 submissions from 5 submitters: Uncertain significance (3); Likely benign (2). Last evaluated 2025-11-07.

Conditions:
Melnick-Needles syndrome (MNS). Also called: Melnick-Needles Syndrome (FLNA-MNS); MELNICK-NEEDLES OSTEODYSPLASTY; OSTEODYSPLASTY OF MELNICK AND NEEDLES. Identifiers: Orphanet 2484, MedGen C0025237, MONDO:0010650, OMIM 309350.
Oto-palato-digital syndrome, type II (OPD2). Also called: Otopalatodigital Syndrome Type 2 (FLNA-OPD2); OPD II SYNDROME; Otopalatodigital Syndrome, Type II; FACIOPALATOOSSEOUS SYNDROME. Identifiers: Orphanet 669, Orphanet 90652, MedGen C1844696, MONDO:0010571, OMIM 304120.
Frontometaphyseal dysplasia (FMD1). Identifiers: Orphanet 1826, MedGen C0265293, MONDO:0015942.
Heterotopia, periventricular, X-linked dominant (PVNH1). Also called: PERIVENTRICULAR NODULAR HETEROTOPIA 1; PERIVENTRICULAR NODULAR HETEROTOPIA 4; HETEROTOPIA, PERIVENTRICULAR, 1; X-linked periventricular heterotopia. Identifiers: Orphanet 2149, Orphanet 82004, MedGen C1848213, MONDO:0010233, OMIM 300049.
Familial thoracic aortic aneurysm and aortic dissection (TAAD). Also called: Thoracic aortic aneurysms and dissections. Identifiers: Orphanet 91387, MedGen C4707243, MONDO:0019625.

Allele frequency attached by ClinVar (database versions not stated): gnomAD exomes 0.00001 and 0.00003; gnomAD 0.00003 and 0.00004; ExAC 0.00006; TOPMed 0.00008; 1000 Genomes Project 30x 0.00021.
gnomAD v4.1: 18 of 1,210,661 alleles (0.0015%); highest among the groups gnomAD compares: Middle Eastern, 0.023%; no homozygotes.

Submissions (5):

Labcorp Genetics (formerly Invitae), Labcorp
Classification: Likely benign for Oto-palato-digital syndrome, type II; Heterotopia, periventricular, X-linked dominant; Frontometaphyseal dysplasia; Melnick-Needles syndrome. Last evaluated: 2025-11-07. Review status: criteria provided, single submitter. Criteria: Invitae Variant Classification Sherloc (09022015). Collection method: clinical testing. Allele origin: germline.

GeneDx
Classification: Uncertain significance. Last evaluated: 2024-09-17. Review status: criteria provided, single submitter. Criteria: GeneDx Variant Classification Process June 2021. Collection method: clinical testing. Allele origin: germline. Affected: yes.
Comment: In silico analysis supports that this missense variant has a deleterious effect on protein structure/function; Identified in association with heterotaxy and a congenital heart disease; however, detailed clinical information was not provided (PMID: 32738303); This variant is associated with the following publications: (PMID: 32738303)

Ambry Genetics
Classification: Likely benign for Familial thoracic aortic aneurysm and aortic dissection. Last evaluated: 2024-06-04. Review status: criteria provided, single submitter. Criteria: Ambry Variant Classification Scheme 2023. Collection method: clinical testing. Allele origin: germline.

CeGaT Center for Human Genetics Tuebingen
Classification: Uncertain significance. Last evaluated: 2022-06-01. Review status: criteria provided, single submitter. Criteria: CeGaT Center For Human Genetics Tuebingen Variant Classification Criteria Version 2. Collection method: clinical testing. Allele origin: germline. Affected: yes. Observed: 1 variant allele.
Comment: FLNA: PP2

ARUP Laboratories, Molecular Genetics and Genomics, ARUP Laboratories
Classification: Uncertain significance. Last evaluated: 2021-09-01. Review status: criteria provided, single submitter. Criteria: ARUP Molecular Germline Variant Investigation Process 2021. Collection method: clinical testing. Allele origin: germline.
Comment: The FLNA c.5927C>T; p.Thr1976Met variant (rs782639698), also known as c.5951C>T p.Thr1984Met in transcript NM_001110556.1, is reported in the literature in a cohort of individuals affected with heterotaxy syndrome, though it was not demonstrated to be disease-causing (Liang 2020). This variant is found on only seven chromosomes (7/203448 alleles, including two hemizygotes) in the Genome Aggregation Database. The threonine at codon 1976 is highly conserved, but computational analyses are uncertain whether this variant is neutral or deleterious (REVEL: 0.313). Due to limited information, the clinical significance of the p.Thr1976Met variant is uncertain at this time. References: Liang et al. Identification of novel candidate genes in heterotaxy syndrome patients with congenital heart diseases by whole exome sequencing. Biochim Biophys Acta Mol Basis Dis. 2020 Dec 1;1866(12):165906. PMID: 32738303.

Literature cited by the submitters: PubMed 32738303 (cited by Ambry Genetics).

NM_001110556.2(FLNA):c.5951C>T (p.Thr1984Met)

Gene: FLNA (filamin A; minus strand). Cytogenetic location: Xq28.
Variant type: single nucleotide variant.
Coding change: c.5951C>T on transcript NM_001110556.2 (MANE Select); coding-DNA position 5951, C replaced by T.
Protein change: p.Thr1984Met; replaces threonine 1984 with methionine.
Molecular consequence: missense variant.
Genome position (GRCh38, 1-based): chrX:154,353,367, G>A on the plus strand (C>T on the coding strand, the complement: FLNA is on the minus strand). VCF-style: chrX-154353367-G-A. GRCh37 (hg19) VCF-style: chrX-153581735-G-A.
Other names: c.5927C>T, p.Thr1976Met (NM_001456.4); short protein forms T1984M, T1976M.
Identifiers: ClinVar variation 465006 (VCV000465006.51), dbSNP rs782639698, ClinGen allele CA10560199.